The following is an entry in ClinVar:

NM_005257.6(GATA6):c.208G>A (p.Ala70Thr)

Gene: GATA6 (GATA binding protein 6; plus strand). Cytogenetic location: 18q11.2.
Variant type: single nucleotide variant.
Coding change: c.208G>A on transcript NM_005257.6 (MANE Select); coding-DNA position 208, G replaced by A.
Protein change: p.Ala70Thr; replaces alanine 70 with threonine.
Molecular consequence: missense variant.
Genome position (GRCh38, 1-based): chr18:22,171,352, G>A. VCF-style: chr18-22171352-G-A. GRCh37 (hg19) VCF-style: chr18-19751313-G-A.
Other names: c.208G>A (NM_005257.3); short protein forms A70T.
Identifiers: ClinVar variation 940915 (VCV000940915.10), dbSNP rs779755261, ClinGen allele CA8908848.

ClinVar aggregate classification (germline): Conflicting classifications of pathogenicity. Review status: criteria provided, conflicting classifications (1 of 4 stars). 2 submissions from 2 submitters: Uncertain significance (1); Likely benign (1). Last evaluated 2025-06-05.

Conditions:
Inborn genetic diseases. Identifiers: MedGen C0950123, MeSH D030342.
Atrioventricular septal defect 5 (AVSD5). Identifiers: MedGen C3280939, MONDO:0013769, OMIM 614474.

Allele frequency attached by ClinVar (database versions not stated): gnomAD 0.00001; gnomAD exomes 0.00003 and 0.00005; ExAC 0.00008.

Submissions (2):

Labcorp Genetics (formerly Invitae), Labcorp
Classification: Uncertain significance for Atrioventricular septal defect 5. Last evaluated: 2025-06-05. Review status: criteria provided, single submitter. Criteria: Invitae Variant Classification Sherloc (09022015). Collection method: clinical testing. Allele origin: germline.
Comment: This sequence change replaces alanine, which is neutral and non-polar, with threonine, which is neutral and polar, at codon 70 of the GATA6 protein (p.Ala70Thr). This variant is present in population databases (rs779755261, gnomAD 0.03%). This variant has not been reported in the literature in individuals affected with GATA6-related conditions. ClinVar contains an entry for this variant (Variation ID: 940915). An algorithm developed to predict the effect of missense changes on protein structure and function (PolyPhen-2) suggests that this variant is likely to be tolerated. In summary, the available evidence is currently insufficient to determine the role of this variant in disease. Therefore, it has been classified as a Variant of Uncertain Significance.

Ambry Genetics
Classification: Likely benign for Inborn genetic diseases. Last evaluated: 2024-10-29. Review status: criteria provided, single submitter. Criteria: Ambry Variant Classification Scheme 2023. Collection method: clinical testing. Allele origin: germline.